The following is an entry in ClinVar:

ClinVar aggregate classification (germline): Uncertain significance (1 of 4 stars; one submission).

Conditions:
Chédiak-Higashi syndrome (CHS). Also called: Chediak-Higashi Syndrome. Identifiers: Orphanet 167, MedGen C0007965, MONDO:0008963, OMIM 214500.

Allele frequency attached by ClinVar (database versions not stated): ExAC 0.00002; gnomAD 0.00002; TOPMed 0.00002.
gnomAD v4.1: 6 of 1,613,432 alleles (0.00037%); highest among the groups gnomAD compares: African/African-American, 0.008%; no homozygotes.

Submission:

Labcorp Genetics (formerly Invitae), Labcorp
Classification: Uncertain significance for Chédiak-Higashi syndrome. Last evaluated: 2025-10-14. Review status: criteria provided, single submitter. Criteria: Invitae Variant Classification Sherloc (09022015). Collection method: clinical testing. Allele origin: germline.
Comment: This sequence change falls in intron 49 of the LYST gene. It does not directly change the encoded amino acid sequence of the LYST protein. It affects a nucleotide within the consensus splice site. This variant is present in population databases (rs770034004, gnomAD 0.01%). This variant has not been reported in the literature in individuals affected with LYST-related conditions. ClinVar contains an entry for this variant (Variation ID: 1061342). Variants that disrupt the consensus splice site are a relatively common cause of aberrant splicing (PMID: 17576681, 9536098). Algorithms developed to predict the effect of sequence changes on RNA splicing suggest that this variant is not likely to affect RNA splicing. In summary, the available evidence is currently insufficient to determine the role of this variant in disease. Therefore, it has been classified as a Variant of Uncertain Significance.

Literature cited by the submitters: PubMed 17576681; PubMed 9536098.

NM_000081.4(LYST):c.10940+6G>A

Gene: LYST (lysosomal trafficking regulator; minus strand). Cytogenetic location: 1q42.3.
Variant type: single nucleotide variant.
Coding change: c.10940+6G>A on transcript NM_000081.4 (MANE Select); 6 bases into the intron after coding-DNA position 10940, G replaced by A.
Molecular consequence: intron variant.
Genome position (GRCh38, 1-based): chr1:235,677,474, C>T on the plus strand (G>A on the coding strand, the complement: LYST is on the minus strand). VCF-style: chr1-235677474-C-T. GRCh37 (hg19) VCF-style: chr1-235840774-C-T.
Other names: c.10940+6G>A (NM_001301365.1).
Identifiers: ClinVar variation 1061342 (VCV001061342.5), dbSNP rs770034004, ClinGen allele CA1465265.